The following is an entry in ClinVar:

NM_015541.3(LRIG1):c.132C>T (p.Ala44=)

Gene: LRIG1 (leucine rich repeats and immunoglobulin like domains 1; minus strand). Cytogenetic location: 3p14.1.
Variant type: single nucleotide variant.
Coding change: c.132C>T on transcript NM_015541.3 (MANE Select); coding-DNA position 132, C replaced by T.
Protein change: p.Ala44=; no amino-acid change (alanine 44 retained).
Molecular consequence: synonymous variant. On other transcripts: intron variant (1).
Genome position (GRCh38, 1-based): chr3:66,500,276, G>A on the plus strand (C>T on the coding strand, the complement: LRIG1 is on the minus strand). VCF-style: chr3-66500276-G-A. GRCh37 (hg19) VCF-style: chr3-66550700-G-A.
Other names: c.132C>T, p.Ala44= (NM_001377344.1); c.-563+817C>T (NM_001377345.1).
Identifiers: ClinVar variation 3057930 (VCV003057930.2), dbSNP rs768684985, ClinGen allele CA2485284.

ClinVar aggregate classification (germline): Likely benign (0 of 4 stars; one submission).

Conditions:
LRIG1-related disorder. Also called: LRIG1-related condition.

Allele frequency attached by ClinVar (database versions not stated): ExAC 0.00009; gnomAD 0.00015; TOPMed 0.00019; gnomAD exomes 0.00033.
gnomAD v4.1: 472 of 1,490,662 alleles (0.032%); highest among the groups gnomAD compares: Non-Finnish European, 0.039%; no homozygotes.

Submission:

PreventionGenetics, part of Exact Sciences
Classification: Likely benign for LRIG1-related condition. Last evaluated: 2019-04-05. Review status: no assertion criteria provided. Collection method: clinical testing. Allele origin: germline.
Comment: This variant is classified as likely benign based on ACMG/AMP sequence variant interpretation guidelines (Richards et al. 2015 PMID: 25741868, with internal and published modifications).